The following is an entry in ClinVar:

ClinVar aggregate classification (germline): Uncertain significance (1 of 4 stars; one submission).

Submission:

Labcorp Genetics (formerly Invitae), Labcorp
Classification: Uncertain significance. Last evaluated: 2024-06-06. Review status: criteria provided, single submitter. Criteria: Invitae Variant Classification Sherloc (09022015). Collection method: clinical testing. Allele origin: germline.
Comment: This sequence change replaces asparagine, which is neutral and polar, with serine, which is neutral and polar, at codon 497 of the UTP4 protein (p.Asn497Ser). This variant is not present in population databases (gnomAD no frequency). This variant has not been reported in the literature in individuals affected with UTP4-related conditions. Advanced modeling of protein sequence and biophysical properties (such as structural, functional, and spatial information, amino acid conservation, physicochemical variation, residue mobility, and thermodynamic stability) performed at Invitae indicates that this missense variant is not expected to disrupt UTP4 protein function with a negative predictive value of 80%. In summary, the available evidence is currently insufficient to determine the role of this variant in disease. Therefore, it has been classified as a Variant of Uncertain Significance.

NM_032830.3(UTP4):c.1490A>G (p.Asn497Ser)

Gene: UTP4 (UTP4 small subunit processome component). Cytogenetic location: 16q22.1.
Variant type: single nucleotide variant.
Coding change: c.1490A>G on transcript NM_032830.3 (MANE Select); coding-DNA position 1490, A replaced by G.
Protein change: p.Asn497Ser; replaces asparagine 497 with serine.
Molecular consequence: missense variant.
Genome position (GRCh38, 1-based): chr16:69,160,401, A>G. VCF-style: chr16-69160401-A-G. GRCh37 (hg19) VCF-style: chr16-69194304-A-G.
Other names: c.1241A>G, p.Asn414Ser (NM_001318391.2); short protein forms N414S, N497S.
Identifiers: ClinVar variation 3655782 (VCV003655782.2).